The following is an entry in ClinVar:

NM_024884.3(L2HGDH):c.274C>T (p.His92Tyr)

Gene: L2HGDH (L-2-hydroxyglutarate dehydrogenase; minus strand). Cytogenetic location: 14q21.3.
Variant type: single nucleotide variant.
Coding change: c.274C>T on transcript NM_024884.3 (MANE Select); coding-DNA position 274, C replaced by T.
Protein change: p.His92Tyr; replaces histidine 92 with tyrosine.
Molecular consequence: missense variant.
Genome position (GRCh38, 1-based): chr14:50,302,151, G>A on the plus strand (C>T on the coding strand, the complement: L2HGDH is on the minus strand). VCF-style: chr14-50302151-G-A. GRCh37 (hg19) VCF-style: chr14-50768869-G-A.
Other names: short protein forms H92Y.
Identifiers: ClinVar variation 1394858 (VCV001394858.8), dbSNP rs1011866950, ClinGen allele CA260759843.
Genomic context (GRCh38, chr14:50,302,151, plus strand): 5'-ATTTGGCTTTCAGAGACTCAGGTTTATAATAAATTCCACTATGTATGACACCACTGTTAT[G>A]TCCAGTCTGGTGAACAGCTACAGAACAAGAGAAACAGGGTAAGAGTAAGTACATGATTCA-3'
Protein context (NP_079160.1, residues 82-102): EKDLAVHQTG[His92Tyr]NSGVIHSGIY

ClinVar aggregate classification (germline): Uncertain significance (1 of 4 stars; one submission).

Conditions:
L-2-hydroxyglutaric aciduria (L2HGA). Identifiers: Orphanet 79314, MedGen C1855995, MONDO:0009370, OMIM 236792, HP:0040144.

Allele frequency attached by ClinVar (database versions not stated): gnomAD exomes below 0.00001.

Submission:

Labcorp Genetics (formerly Invitae), Labcorp
Classification: Uncertain significance for L-2-hydroxyglutaric aciduria. Last evaluated: 2020-12-16. Review status: criteria provided, single submitter. Criteria: Invitae Variant Classification Sherloc (09022015). Collection method: clinical testing. Allele origin: germline.
Comment: In summary, the available evidence is currently insufficient to determine the role of this variant in disease. Therefore, it has been classified as a Variant of Uncertain Significance. Algorithms developed to predict the effect of missense changes on protein structure and function (SIFT, PolyPhen-2, Align-GVGD) all suggest that this variant is likely to be disruptive, but these predictions have not been confirmed by published functional studies and their clinical significance is uncertain. This variant has not been reported in the literature in individuals with L2HGDH-related conditions. This variant is not present in population databases (ExAC no frequency). This sequence change replaces histidine with tyrosine at codon 92 of the L2HGDH protein (p.His92Tyr). The histidine residue is highly conserved and there is a moderate physicochemical difference between histidine and tyrosine.